The following is an entry in ClinVar:

ClinVar aggregate classification (germline): Uncertain significance (1 of 4 stars; one submission).

Submission:

Laboratory for Molecular Medicine, Mass General Brigham Personalized Medicine
Classification: Uncertain significance. Last evaluated: 2013-07-18. Review status: criteria provided, single submitter. Criteria: LMM Criteria. Collection method: clinical testing. Allele origin: germline. Observed: 1 variant allele.
Comment: The Phe1209Leu variant in TTN has not been reported in individuals with cardiomy opathy or in large population studies. Computational analyses (biochemical amino acid properties, conservation, AlignGVGD, and PolyPhen2) suggest that the Phe12 09Leu variant may not impact the protein, though this information is not predict ive enough to rule out pathogenicity. Additional information is needed to fully assess the clinical significance of this variant.

NM_001267550.2(TTN):c.3625T>C (p.Phe1209Leu)

Gene: TTN (titin; minus strand). Cytogenetic location: 2q31.2.
Variant type: single nucleotide variant.
Coding change: c.3625T>C on transcript NM_001267550.2 (MANE Select); coding-DNA position 3625, T replaced by C.
Protein change: p.Phe1209Leu; replaces phenylalanine 1209 with leucine.
Molecular consequence: missense variant.
Genome position (GRCh38, 1-based): chr2:178,780,104, A>G on the plus strand (T>C on the coding strand, the complement: TTN is on the minus strand). VCF-style: chr2-178780104-A-G. GRCh37 (hg19) VCF-style: chr2-179644831-A-G.
Other names: c.3625T>C, p.Phe1209Leu (NM_001256850.1, NM_133379.5, NM_133378.4); c.3487T>C, p.Phe1163Leu (NM_003319.4, NM_133432.3, NM_133437.4); short protein forms F1209L, F1163L.
Identifiers: ClinVar variation 166324 (VCV000166324.5), dbSNP rs727503698, ClinGen allele CA179344.
Genomic context (GRCh38, chr2:178,780,104, plus strand): 5'-TTTTCTTCCTAATTAAGGCTTGTTCTTTTTCATACTCTTTTTCATACTCAGAGTATACAA[A>G]TCCAGGTGCTGTTTCTCCAACTTTAGGTTCTTGAACAAATGCAGTCACTTGTGTCTGATA-3'
Protein context (NP_001254479.2, residues 1199-1219): EPKVGETAPG[Phe1209Leu]VYSEYEKEYE